The following is an entry in ClinVar:

ClinVar aggregate classification (germline): Pathogenic (1 of 4 stars; one submission).

Submission:

Labcorp Genetics (formerly Invitae), Labcorp
Classification: Pathogenic. Last evaluated: 2025-10-02. Review status: criteria provided, single submitter. Criteria: Invitae Variant Classification Sherloc (09022015). Collection method: clinical testing. Allele origin: germline.
Comment: This sequence change creates a premature translational stop signal (p.Gly362Alafs*77) in the PDZD7 gene. It is expected to result in an absent or disrupted protein product. Loss-of-function variants in PDZD7 are known to be pathogenic (PMID: 20440071). This variant is present in population databases (no rsID available, gnomAD 0.007%). This variant has not been reported in the literature in individuals affected with PDZD7-related conditions. For these reasons, this variant has been classified as Pathogenic.

Literature cited by the submitters: PubMed 20440071.

NM_001195263.2(PDZD7):c.1085del (p.Gly362fs)

Gene: PDZD7 (PDZ domain containing 7; minus strand). Cytogenetic location: 10q24.31.
Variant type: Deletion.
Coding change: c.1085del on transcript NM_001195263.2 (MANE Select); coding-DNA position 1085, one base deleted (G; older notation c.1085delG).
Protein change: p.Gly362fs; shifts the reading frame from glycine 362.
Molecular consequence: frameshift variant.
Genome position (GRCh38, 1-based): chr10:101,019,061, C deleted on the plus strand (G on the coding strand, the reverse complement: PDZD7 is on the minus strand); the first of 2 consecutive C bases (chr10:101,019,061-101,019,062); deleting either gives the same sequence. VCF-style (leftmost placement, unchanged base first): chr10-101019060-GC-G. GRCh37 (hg19) VCF-style: chr10-102778817-GC-G.
Other names: c.1085del, p.Gly362fs (NM_001351044.2, NM_001437429.1, NM_024895.5); short protein forms G362fs.
Identifiers: ClinVar variation 4704479 (VCV004704479.1).